The following is an entry in ClinVar:

ClinVar aggregate classification (germline): Conflicting classifications of pathogenicity. Review status: criteria provided, conflicting classifications (1 of 4 stars). 5 submissions from 5 submitters: Uncertain significance (2); Likely benign (3). Last evaluated 2026-01-01.

Conditions:
PROM1-related disorder. Also called: PROM1-related condition; PROM1-related disorders.
Inborn genetic diseases. Identifiers: MedGen C0950123, MeSH D030342.

Allele frequency attached by ClinVar (database versions not stated): gnomAD exomes 0.00004 and 0.00010; ExAC 0.00015; 1000 Genomes Project 0.00020; 1000 Genomes Project 30x 0.00031; TOPMed 0.00070; ESP Exome Variant Server 0.00042; gnomAD 0.00062 and 0.00069.
gnomAD v4.1: 152 of 1,567,146 alleles (0.0097%); highest among the groups gnomAD compares: African/African-American, 0.19%; 2 homozygotes.

Submissions (5):

Labcorp Genetics (formerly Invitae), Labcorp
Classification: Likely benign. Last evaluated: 2026-01-01. Review status: criteria provided, single submitter. Criteria: Invitae Variant Classification Sherloc (09022015). Collection method: clinical testing. Allele origin: germline.

Ambry Genetics
Classification: Uncertain significance for Inborn genetic diseases. Last evaluated: 2025-07-15. Review status: criteria provided, single submitter. Criteria: Ambry Variant Classification Scheme 2023. Collection method: clinical testing. Allele origin: germline.

PreventionGenetics, part of Exact Sciences
Classification: Likely benign for PROM1-related condition. Last evaluated: 2024-12-04. Review status: criteria provided, single submitter. Criteria: ACMG Guidelines, 2015. Collection method: clinical testing. Allele origin: germline.
Comment: This variant is classified as likely benign based on ACMG/AMP sequence variant interpretation guidelines (Richards et al. 2015 PMID: 25741868, with internal and published modifications).

Blueprint Genetics
Classification: Likely benign. Last evaluated: 2024-10-28. Review status: criteria provided, single submitter. Criteria: ACMG Guidelines, 2015. Collection method: clinical testing. Allele origin: germline.

Eurofins Ntd Llc (ga)
Classification: Uncertain significance. Last evaluated: 2015-02-24. Review status: criteria provided, single submitter. Criteria: EGL Classification Definitions 2015. Collection method: clinical testing. Allele origin: germline. Observed: 1 variant allele, 1 heterozygote.

NM_006017.3(PROM1):c.1469G>A (p.Ser490Asn)

Gene: PROM1 (prominin 1; minus strand). Cytogenetic location: 4p15.32.
Variant type: single nucleotide variant.
Coding change: c.1469G>A on transcript NM_006017.3 (MANE Select); coding-DNA position 1469, G replaced by A.
Protein change: p.Ser490Asn; replaces serine 490 with asparagine.
Molecular consequence: missense variant.
Genome position (GRCh38, 1-based): chr4:16,000,605, C>T on the plus strand (G>A on the coding strand, the complement: PROM1 is on the minus strand). VCF-style: chr4-16000605-C-T. GRCh37 (hg19) VCF-style: chr4-16002228-C-T.
Other names: c.1442G>A, p.Ser481Asn (NM_001145847.2, NM_001145848.2, NM_001145851.2 and 4 more transcripts); c.1469G>A, p.Ser490Asn (NM_001145849.2, NM_001145850.2); short protein forms S490N, S481N.
Identifiers: ClinVar variation 194235 (VCV000194235.16), dbSNP rs201027172, ClinGen allele CA240097.